The following is an entry in ClinVar:

NM_007272.3(CTRC):c.118A>C (p.Ser40Arg)

Gene: CTRC (chymotrypsin C; plus strand). Cytogenetic location: 1p36.21.
Variant type: single nucleotide variant.
Coding change: c.118A>C on transcript NM_007272.3 (MANE Select); coding-DNA position 118, A replaced by C.
Protein change: p.Ser40Arg; replaces serine 40 with arginine.
Molecular consequence: missense variant.
Genome position (GRCh38, 1-based): chr1:15,440,377, A>C. VCF-style: chr1-15440377-A-C. GRCh37 (hg19) VCF-style: chr1-15766873-A-C.
Other names: short protein forms S40R.
Identifiers: ClinVar variation 2449705 (VCV002449705.3), dbSNP rs2526289630, ClinGen allele CA338564743.

ClinVar aggregate classification (germline): Uncertain significance (1 of 4 stars; one submission).

Conditions:
Hereditary pancreatitis (PCTT). Also called: Hereditary chronic pancreatitis; PRSS1-Related Hereditary Pancreatitis. Identifiers: Orphanet 676, MedGen C0238339, MONDO:0008185, OMIM 167800.

Submission:

Ambry Genetics
Classification: Uncertain significance for Hereditary pancreatitis. Last evaluated: 2025-04-01. Review status: criteria provided, single submitter. Criteria: Ambry Variant Classification Scheme 2023. Collection method: clinical testing. Allele origin: germline.
Comment: The p.S40R variant (also known as c.118A>C), located in coding exon 2 of the CTRC gene, results from an A to C substitution at nucleotide position 118. The serine at codon 40 is replaced by arginine, an amino acid with dissimilar properties. This amino acid position is conserved. In addition, this alteration is predicted to be deleterious by in silico analysis. Since supporting evidence is limited at this time, the clinical significance of this alteration remains unclear.